The following is an entry in ClinVar:

ClinVar aggregate classification (germline): Conflicting classifications of pathogenicity. Review status: criteria provided, conflicting classifications (1 of 4 stars). 4 submissions from 4 submitters: Uncertain significance (1); Likely benign (2). 1 of the submissions does not count toward it. Last evaluated 2025-08-03.

Conditions:
Inborn genetic diseases. Identifiers: MedGen C0950123, MeSH D030342.
REST-related disorder. Also called: REST-related condition.

Allele frequency attached by ClinVar (database versions not stated): gnomAD exomes 0.00003 and 0.00007; ExAC 0.00009; ESP Exome Variant Server 0.00031; gnomAD 0.00032 and 0.00034; 1000 Genomes Project 0.00040; 1000 Genomes Project 30x 0.00047; TOPMed 0.00039.
gnomAD v4.1: 90 of 1,611,080 alleles (0.0056%); highest among the groups gnomAD compares: African/African-American, 0.11%; no homozygotes.

Submissions (4):

Ambry Genetics
Classification: Likely benign for Inborn genetic diseases. Last evaluated: 2025-08-03. Review status: criteria provided, single submitter. Criteria: Ambry Variant Classification Scheme 2023. Collection method: clinical testing. Allele origin: germline.

Labcorp Genetics (formerly Invitae), Labcorp
Classification: Likely benign. Last evaluated: 2025-05-29. Review status: criteria provided, single submitter. Criteria: Invitae Variant Classification Sherloc (09022015). Collection method: clinical testing. Allele origin: germline.

GeneDx
Classification: Uncertain significance. Last evaluated: 2025-03-19. Review status: criteria provided, single submitter. Criteria: GeneDx Variant Classification Process June 2021. Collection method: clinical testing. Allele origin: germline. Affected: yes.
Comment: In silico analysis indicates that this missense variant does not alter protein structure/function; Has not been previously published as pathogenic or benign to our knowledge

PreventionGenetics, part of Exact Sciences
Classification: Likely benign for REST-related condition. Last evaluated: 2022-09-30. Review status: no assertion criteria provided. Collection method: clinical testing. Allele origin: germline. Not counted in ClinVar's aggregate classification.
Comment: This variant is classified as likely benign based on ACMG/AMP sequence variant interpretation guidelines (Richards et al. 2015 PMID: 25741868, with internal and published modifications).

NM_005612.5(REST):c.1640T>C (p.Val547Ala)

Gene: REST (RE1 silencing transcription factor; plus strand). Cytogenetic location: 4q12.
Variant type: single nucleotide variant.
Coding change: c.1640T>C on transcript NM_005612.5 (MANE Select); coding-DNA position 1640, T replaced by C.
Protein change: p.Val547Ala; replaces valine 547 with alanine.
Molecular consequence: missense variant.
Genome position (GRCh38, 1-based): chr4:56,930,498, T>C. VCF-style: chr4-56930498-T-C. GRCh37 (hg19) VCF-style: chr4-57796664-T-C.
Other names: c.1640T>C, p.Val547Ala (NM_001193508.2, NM_001363453.3); short protein forms V547A.
Identifiers: ClinVar variation 1008098 (VCV001008098.13), dbSNP rs148966683, ClinGen allele CA2932296.
Genomic context (GRCh38, chr4:56,930,498, plus strand): 5'-GCCATTCTTTACATGGTCCTGTGAATGATGAGGAATCTTCAACAAAAAAGAAAAAGAAGG[T>C]AGAAAGCAAATCCAAAAATAATAGTCAGGAAGTGCCAAAGGGTGACAGCAAAGTGGAGGA-3'
Protein context (NP_005603.3, residues 537-557): EESSTKKKKK[Val547Ala]ESKSKNNSQE